The following is an entry in ClinVar:

NM_023067.4(FOXL2):c.630_651dup (p.Cys218fs)

Gene: FOXL2 (forkhead box L2; minus strand). Cytogenetic location: 3q22.3.
Variant type: Duplication.
Coding change: c.630_651dup on transcript NM_023067.4 (MANE Select); coding-DNA positions 630 to 651, 22 bases duplicated (CTCACCCATGCCCTATGCCTCC).
Protein change: p.Cys218fs; shifts the reading frame from cysteine 218.
Molecular consequence: frameshift variant.
Genome position (GRCh38, 1-based): chr3:138,946,072-138,946,093, GGAGGCATAGGGCATGGGTGAG duplicated on the plus strand (CTCACCCATGCCCTATGCCTCC on the coding strand, the reverse complement: FOXL2 is on the minus strand); duplicating any 22 consecutive bases within chr3:138,946,072-138,946,099 gives the same sequence; the c. name uses the placement nearest the transcript's 3' end. VCF-style (leftmost placement, unchanged base first): chr3-138946071-A-AGGAGGCATAGGGCATGGGTGAG. GRCh37 (hg19) VCF-style: chr3-138664913-A-AGGAGGCATAGGGCATGGGTGAG.
Other names: short protein forms C218fs.
Identifiers: ClinVar variation 369917 (VCV000369917.1), dbSNP rs1057516166, ClinGen allele CA10654874.

ClinVar aggregate classification (germline): Pathogenic (1 of 4 stars; one submission).

Conditions:
Blepharophimosis, ptosis, and epicanthus inversus syndrome. Identifiers: Orphanet 126, MedGen C0220663, MONDO:0007201, OMIM 110100.

Submission:

Genomic Diagnostic Laboratory, Division of Genomic Diagnostics, Children's Hospital of Philadelphia
Classification: Pathogenic for Blepharophimosis, ptosis, and epicanthus inversus syndrome. Last evaluated: 2016-11-03. Review status: criteria provided, single submitter. Criteria: DGD Variant Analysis Guidelines. Collection method: clinical testing. Allele origin: germline. Affected: yes. Observed: 1 variant allele.
Comment: Clinical Testing